The following is an entry in ClinVar:

ClinVar aggregate classification (germline): Likely pathogenic (1 of 4 stars; one submission).

Conditions:
Rare genetic deafness. Identifiers: Orphanet 96210, MedGen C5680250.

Submission:

Laboratory for Molecular Medicine, Mass General Brigham Personalized Medicine
Classification: Likely pathogenic for Rare genetic deafness. Last evaluated: 2022-11-03. Review status: criteria provided, single submitter. Criteria: ACMG Guidelines, 2015. Collection method: clinical testing. Allele origin: germline.
Comment: The p.Ala1885SerfsX20 variant in OTOG has not been reported in individuals with nonsyndromic hearing loss and was absent from large population studies. This variant is predicted to cause a frameshift, which alters the protein’s amino acid sequence beginning at position 1885 and leads to a premature termination codon 20 amino acids downstream. This alteration is then predicted to lead to a truncated or absent protein. Loss of function of the OTOG gene is an established disease mechanism in autosomal recessive nonsyndromic hearing loss. In summary, although additional studies are required to fully establish its clinical significance, this variant meets criteria to be classified as likely pathogenic for autosomal recessive nonsyndromic hearing loss. ACMG/AMP Criteria applied: PM2_supporting, PVS1.

NM_001292063.2(OTOG):c.5616dup (p.Ala1873fs)

Gene: OTOG (otogelin; plus strand). Cytogenetic location: 11p15.1.
Variant type: Duplication.
Coding change: c.5616dup on transcript NM_001292063.2 (MANE Select); coding-DNA position 5616, one base duplicated (A; older notation c.5616dupA).
Protein change: p.Ala1873fs; shifts the reading frame from alanine 1873.
Molecular consequence: frameshift variant.
Genome position (GRCh38, 1-based): chr11:17,610,916, A duplicated. VCF-style (leftmost placement, unchanged base first): chr11-17610915-C-CA. GRCh37 (hg19) VCF-style: chr11-17632462-C-CA.
Other names: c.5652dup, p.Ala1885fs (NM_001277269.2); short protein forms A1873fs, A1885fs.
Identifiers: ClinVar variation 3075907 (VCV003075907.1), dbSNP rs2478541571, ClinGen allele CA2825001875.
Genomic context (GRCh38, chr11:17,610,915, plus strand): 5'-CTCCAGCAGCAATGACCCAGGCGCACCCACCCACTCACATAGCACCCCCAGCAGCAGGCA[C>CA]AGCTCCAGGCCTGCTGCTGGGAGCCACATTGCCAACCTCTGGAGTCCTGCCTGTGGCTGA-3'